The following is an entry in ClinVar:

NM_001267550.2(TTN):c.46782C>A (p.Tyr15594Ter)

Genes: TTN-AS1 (TTN antisense RNA 1; plus strand), TTN (titin; minus strand). Cytogenetic location: 2q31.2.
Variant type: single nucleotide variant.
Coding change: c.46782C>A on transcript NM_001267550.2 (MANE Select); coding-DNA position 46782, C replaced by A.
Protein change: p.Tyr15594Ter; replaces tyrosine 15594 with a stop codon.
Molecular consequence: nonsense.
Genome position (GRCh38, 1-based): chr2:178,618,768, G>T on the plus strand (C>A on the coding strand, the complement: TTN is on the minus strand). VCF-style: chr2-178618768-G-T. GRCh37 (hg19) VCF-style: chr2-179483495-G-T.
Other names: c.41859C>A, p.Tyr13953Ter (NM_001256850.1); c.19587C>A, p.Tyr6529Ter (NM_003319.4); c.19962C>A, p.Tyr6654Ter (NM_133432.3); c.20163C>A, p.Tyr6721Ter (NM_133437.4); c.39078C>A, p.Tyr13026Ter (NM_133378.4); c.46782C>A (LRG_391t1); short protein forms Y15594*, Y13026*, Y13953*, Y6529*, Y6654*, Y6721*.
Identifiers: ClinVar variation 47004 (VCV000047004.7), dbSNP rs397517587, ClinGen allele CA261864.
Genomic context (GRCh38, chr2:178,618,768, plus strand): 5'-ATCAATGGTTTTTGTAGATAAAGGTTCATTTTCTTTAAACCATTCAGCTTCTGCTTTGGG[G>T]TAGGCATCATATGGCACCACCATTGTCAGAGGCTTGCCAACATCAACCACAAGGTCTTGG-3'

ClinVar aggregate classification (germline): Pathogenic/Likely pathogenic. Review status: criteria provided, multiple submitters, no conflicts (2 of 4 stars). 4 submissions from 4 submitters: Pathogenic (2); Likely pathogenic (2). Last evaluated 2025-09-12.

Conditions:
Dilated cardiomyopathy 1G (CMD1G). Identifiers: Orphanet 154, MedGen C1858763, MONDO:0011400, OMIM 604145.
Autosomal recessive limb-girdle muscular dystrophy type 2J (LGMDR10). Also called: Limb-girdle muscular dystrophy, type 2J; MUSCULAR DYSTROPHY, LIMB-GIRDLE, AUTOSOMAL RECESSIVE 10. Identifiers: Orphanet 140922, MedGen C1837342, MONDO:0012127, OMIM 608807.
Primary dilated cardiomyopathy (DCM). Also called: Dilated Cardiomyopathy. Identifiers: Orphanet 217604, MedGen C0007193, MeSH D002311, MONDO:0005021, HP:0001644. Inheritance: Various modes of inheritance.

Submissions (4):

Labcorp Genetics (formerly Invitae), Labcorp
Classification: Pathogenic for Dilated cardiomyopathy 1G; Autosomal recessive limb-girdle muscular dystrophy type 2J. Last evaluated: 2025-09-12. Review status: criteria provided, single submitter. Criteria: Invitae Variant Classification Sherloc (09022015). Collection method: clinical testing. Allele origin: germline.
Comment: This sequence change creates a premature translational stop signal (p.Tyr15594*) in the TTN gene. While this is not anticipated to result in nonsense mediated decay, it is expected to create a truncated TTN protein. This variant is not present in population databases (gnomAD no frequency). This premature translational stop signal has been observed in individuals with autosomal dominant dilated cardiomyopathy (PMID: 24503780, 25589632, 27437901; internal data). ClinVar contains an entry for this variant (Variation ID: 47004). This variant is located in the I band of TTN (PMID: 25589632). Truncating variants in this region have been reported in individuals affected with autosomal recessive centronuclear myopathy (PMID: 23975875, internal data). Truncating variants in this region have also been identified in individuals affected with autosomal dominant dilated cardiomyopathy and/or cardio-related conditions (PMID: 27869827, 32964742, internal data). For these reasons, this variant has been classified as Pathogenic.

Molecular Genetics, Royal Melbourne Hospital
Classification: Pathogenic for Primary dilated cardiomyopathy. Last evaluated: 2024-05-02. Review status: criteria provided, single submitter. Criteria: ACMG Guidelines, 2015. Collection method: clinical testing. Allele origin: germline. Inheritance: Autosomal dominant inheritance. Affected: yes.
Comment: This sequence change in TTN is a nonsense variant predicted to cause a premature stop codon, p.(Tyr15594*), in constitutively expressed exon 251 (percentage splice in, PSI, 100%) in the I-band. High PSI truncating variants in TTN have a significant association with dilated cardiomyopathy (PMID: 31216868). This variant is absent from the population database gnomAD v4.1. This variant has been reported in individuals with dilated cardiomyopathy (PMID: 24503780, 27437901). Based on the classification scheme RMH Modified ACMG/AMP Guidelines v1.6.1, this variant is classified as PATHOGENIC. Following criteria are met: PVS1, PM2_Supporting, PS4_Supporting.

Cardiovascular Biomedical Research Unit, Royal Brompton & Harefield NHS Foundation Trust
Classification: Likely pathogenic for Primary dilated cardiomyopathy. Last evaluated: 2014-10-08. Review status: criteria provided, single submitter. Criteria: Roberts et al. 2015. Collection method: research. Allele origin: germline. Inheritance: Autosomal dominant inheritance. Affected: yes. Observed: 1 variant allele. Study: Endstage DCM.
Comment: In the seven cohorts assessed, TTNtv were found in 14% of ambulant DCM, 22% end-stage or familial DCM, and 2% controls. Heterozygous nonsense, frameshift and canonical splice-disrupting variants found in constitutive and other highly utilised exons are highly likely to be pathogenic when identified in individuals with phenotypically confirmed DCM. TTNtv found incidentally in healthy individuals (excluding familial assessment of DCM relatives) are thought to have low penetrance, particularly when identified in exons that are not constitutively expressed in the heart.

Laboratory for Molecular Medicine, Mass General Brigham Personalized Medicine
Classification: Likely pathogenic for Primary dilated cardiomyopathy. Last evaluated: 2012-07-30. Review status: criteria provided, single submitter. Criteria: LMM Criteria. Collection method: clinical testing. Allele origin: germline. Inheritance: Autosomal dominant inheritance. Observed: 2 variant alleles.
Comment: This nonsens e variant leads to a premature termination codon at position 13026, which is pre dicted to lead to a truncated or absent protein. Heterozygous loss of function o f the TTN gene is strongly associated with DCM (Herman 2012). In summary, this v ariant is likely to be pathogenic, though additional studies are required to ful ly establish its clinical significance.

Literature cited by the submitters: PubMed 24503780 (cited by Labcorp Genetics (formerly Invitae), Labcorp and Molecular Genetics, Royal Melbourne Hospital); PubMed 25589632 (cited by Labcorp Genetics (formerly Invitae), Labcorp); PubMed 27437901 (cited by Labcorp Genetics (formerly Invitae), Labcorp and Molecular Genetics, Royal Melbourne Hospital); PubMed 23975875 (cited by Labcorp Genetics (formerly Invitae), Labcorp); PubMed 27869827 (cited by Labcorp Genetics (formerly Invitae), Labcorp); PubMed 32964742 (cited by Labcorp Genetics (formerly Invitae), Labcorp); PubMed 31216868 (cited by Molecular Genetics, Royal Melbourne Hospital); PubMed 22335739 (cited by Laboratory for Molecular Medicine, Mass General Brigham Personalized Medicine).